The following is an entry in ClinVar:

ClinVar aggregate classification (germline): Uncertain significance (1 of 4 stars; one submission).

Conditions:
Norman-Roberts syndrome (LIS2). Also called: Lissencephaly 2 (Norman-Roberts type). Identifiers: Orphanet 89844, MedGen C0796089, MONDO:0009760, OMIM 257320.
Familial temporal lobe epilepsy 7. Identifiers: Orphanet 101046, MedGen C4225327, MONDO:0014639, OMIM 616436.

Submission:

Labcorp Genetics (formerly Invitae), Labcorp
Classification: Uncertain significance for Familial temporal lobe epilepsy 7; Norman-Roberts syndrome. Last evaluated: 2022-04-24. Review status: criteria provided, single submitter. Criteria: Invitae Variant Classification Sherloc (09022015). Collection method: clinical testing. Allele origin: germline.
Comment: This sequence change falls in intron 1 of the RELN gene. It does not directly change the encoded amino acid sequence of the RELN protein. It affects a nucleotide within the consensus splice site. This variant is not present in population databases (gnomAD no frequency). This variant has not been reported in the literature in individuals affected with RELN-related conditions. Variants that disrupt the consensus splice site are a relatively common cause of aberrant splicing (PMID: 17576681, 9536098). Algorithms developed to predict the effect of sequence changes on RNA splicing suggest that this variant may disrupt the consensus splice site. In summary, the available evidence is currently insufficient to determine the role of this variant in disease. Therefore, it has been classified as a Variant of Uncertain Significance.

Literature cited by the submitters: PubMed 17576681; PubMed 9536098.

NM_005045.4(RELN):c.226+5G>A

Gene: RELN (reelin; minus strand). Cytogenetic location: 7q22.1.
Variant type: single nucleotide variant.
Coding change: c.226+5G>A on transcript NM_005045.4 (MANE Select); 5 bases into the intron after coding-DNA position 226, G replaced by A.
Molecular consequence: intron variant.
Genome position (GRCh38, 1-based): chr7:103,989,126, C>T on the plus strand (G>A on the coding strand, the complement: RELN is on the minus strand). VCF-style: chr7-103989126-C-T. GRCh37 (hg19) VCF-style: chr7-103629573-C-T.
Other names: c.226+5G>A (NM_173054.3).
Identifiers: ClinVar variation 2130271 (VCV002130271.4), dbSNP rs2484917574, ClinGen allele CA2580076080.